The following is an entry in ClinVar:

ClinVar aggregate classification (germline): Uncertain significance (1 of 4 stars; one submission).

Submission:

Labcorp Genetics (formerly Invitae), Labcorp
Classification: Uncertain significance. Last evaluated: 2024-09-27. Review status: criteria provided, single submitter. Criteria: Invitae Variant Classification Sherloc (09022015). Collection method: clinical testing. Allele origin: germline.
Comment: This sequence change replaces glycine, which is neutral and non-polar, with valine, which is neutral and non-polar, at codon 159 of the GUCA1A protein (p.Gly159Val). This variant is not present in population databases (gnomAD no frequency). This missense change has been observed in individual(s) with cone-rod dystrophy (PMID: 19459154). It has also been observed to segregate with disease in related individuals. An algorithm developed to predict the effect of missense changes on protein structure and function (PolyPhen-2) suggests that this variant is likely to be disruptive. Experimental studies are conflicting or provide insufficient evidence to determine the effect of this variant on GUCA1A function (PMID: 24566882). This variant disrupts the p.Gly159 amino acid residue in GUCA1A. Other variant(s) that disrupt this residue have been observed in individuals with GUCA1A-related conditions (PMID: 19459154, 33090715), which suggests that this may be a clinically significant amino acid residue. In summary, the available evidence is currently insufficient to determine the role of this variant in disease. Therefore, it has been classified as a Variant of Uncertain Significance.

Literature cited by the submitters: PubMed 19459154; PubMed 24566882; PubMed 33090715.

NM_001384910.1(GUCA1A):c.476G>T (p.Gly159Val)

Genes: GUCA1A (guanylate cyclase activator 1A; plus strand), GUCA1ANB-GUCA1A (GUCA1ANB-GUCA1A readthrough; plus strand). Cytogenetic location: 6p21.1.
Variant type: single nucleotide variant.
Coding change: c.476G>T on transcript NM_001384910.1 (MANE Select); coding-DNA position 476, G replaced by T.
Protein change: p.Gly159Val; replaces glycine 159 with valine.
Molecular consequence: missense variant.
Genome position (GRCh38, 1-based): chr6:42,179,273, G>T. VCF-style: chr6-42179273-G-T. GRCh37 (hg19) VCF-style: chr6-42147011-G-T.
Other names: c.476G>T, p.Gly159Val (NM_000409.5, NM_001319061.2, NM_001319062.2); short protein forms G159V.
Identifiers: ClinVar variation 3720688 (VCV003720688.2).